The following is an entry in ClinVar:

NM_005765.3(ATP6AP2):c.407T>C (p.Met136Thr)

Gene: ATP6AP2 (ATPase H+ transporting accessory protein 2; plus strand). Cytogenetic location: Xp11.4.
Variant type: single nucleotide variant.
Coding change: c.407T>C on transcript NM_005765.3 (MANE Select); coding-DNA position 407, T replaced by C.
Protein change: p.Met136Thr; replaces methionine 136 with threonine.
Molecular consequence: missense variant.
Genome position (GRCh38, 1-based): chrX:40,597,537, T>C. VCF-style: chrX-40597537-T-C. GRCh37 (hg19) VCF-style: chrX-40456789-T-C.
Other names: short protein forms M136T.
Identifiers: ClinVar variation 4753711 (VCV004753711.1).

ClinVar aggregate classification (germline): Uncertain significance (1 of 4 stars; one submission).

Conditions:
Intellectual developmental disorder, X-linked, syndromic, Hedera type. Also called: Syndromic X-linked intellectual disability Hedera type. Identifiers: Orphanet 93952, MedGen C1845543, MONDO:0010319, OMIM 300423.

Submission:

Labcorp Genetics (formerly Invitae), Labcorp
Classification: Uncertain significance for Intellectual developmental disorder, X-linked, syndromic, Hedera type. Last evaluated: 2025-10-08. Review status: criteria provided, single submitter. Criteria: Invitae Variant Classification Sherloc (09022015). Collection method: clinical testing. Allele origin: germline.
Comment: This sequence change replaces methionine, which is neutral and non-polar, with threonine, which is neutral and polar, at codon 136 of the ATP6AP2 protein (p.Met136Thr). This variant is not present in population databases (gnomAD no frequency). This variant has not been reported in the literature in individuals affected with ATP6AP2-related conditions. An algorithm developed to predict the effect of missense changes on protein structure and function (PolyPhen-2) suggests that this variant is likely to be disruptive. In summary, the available evidence is currently insufficient to determine the role of this variant in disease. Therefore, it has been classified as a Variant of Uncertain Significance.